The following is an entry in ClinVar:

NM_000321.3(RB1):c.2342C>T (p.Pro781Leu)

Gene: RB1 (RB transcriptional corepressor 1; plus strand). Cytogenetic location: 13q14.2.
Variant type: single nucleotide variant.
Coding change: c.2342C>T on transcript NM_000321.3 (MANE Select); coding-DNA position 2342, C replaced by T.
Protein change: p.Pro781Leu; replaces proline 781 with leucine.
Molecular consequence: missense variant.
Genome position (GRCh38, 1-based): chr13:48,465,221, C>T. VCF-style: chr13-48465221-C-T. GRCh37 (hg19) VCF-style: chr13-49039357-C-T.
Other names: c.2342C>T, p.Pro781Leu (NM_001407165.1); short protein forms P781L.
Identifiers: ClinVar variation 1719218 (VCV001719218.5), dbSNP rs2542375683, ClinGen allele CA388167783.

ClinVar aggregate classification (germline): Uncertain significance (1 of 4 stars; one submission).

Conditions:
Retinoblastoma (RB1). Also called: RETINOBLASTOMA, SOMATIC. Identifiers: Orphanet 790, MedGen C0035335, MeSH D012175, MONDO:0008380, OMIM 180200, HP:0009919. Disease mechanism: loss of function. Inheritance: Both sporadic and heritable forms are tested..

Submission:

Labcorp Genetics (formerly Invitae), Labcorp
Classification: Uncertain significance for Retinoblastoma. Last evaluated: 2022-09-10. Review status: criteria provided, single submitter. Criteria: Invitae Variant Classification Sherloc (09022015). Collection method: clinical testing. Allele origin: germline.
Comment: This sequence change replaces proline, which is neutral and non-polar, with leucine, which is neutral and non-polar, at codon 781 of the RB1 protein (p.Pro781Leu). This variant is not present in population databases (gnomAD no frequency). This variant has not been reported in the literature in individuals affected with RB1-related conditions. Advanced modeling of protein sequence and biophysical properties (such as structural, functional, and spatial information, amino acid conservation, physicochemical variation, residue mobility, and thermodynamic stability) performed at Invitae indicates that this missense variant is expected to disrupt RB1 protein function. In summary, the available evidence is currently insufficient to determine the role of this variant in disease. Therefore, it has been classified as a Variant of Uncertain Significance.